The following is an entry in ClinVar:

NM_001252024.2(TRPM1):c.2620C>T (p.Arg874Trp)

Genes: TRPM1 (transient receptor potential cation channel subfamily M member 1; minus strand), TRPM1-AS1 (TRPM1 antisense RNA 1; plus strand). Cytogenetic location: 15q13.3.
Variant type: single nucleotide variant.
Coding change: c.2620C>T on transcript NM_001252024.2 (MANE Select); coding-DNA position 2620, C replaced by T.
Protein change: p.Arg874Trp; replaces arginine 874 with tryptophan.
Molecular consequence: missense variant.
Genome position (GRCh38, 1-based): chr15:31,035,626, G>A on the plus strand (C>T on the coding strand, the complement: TRPM1 is on the minus strand). VCF-style: chr15-31035626-G-A. GRCh37 (hg19) VCF-style: chr15-31327829-G-A.
Other names: c.2671C>T, p.Arg891Trp (NM_001252020.2); c.2554C>T, p.Arg852Trp (NM_002420.6); short protein forms R852W, R874W, R891W.
Identifiers: ClinVar variation 1043309 (VCV001043309.9), dbSNP rs1434359022, ClinGen allele CA391546806.

ClinVar aggregate classification (germline): Uncertain significance. Review status: criteria provided, multiple submitters, no conflicts (2 of 4 stars). 2 submissions from 2 submitters: Uncertain significance (2). Last evaluated 2022-07-12.

Allele frequency attached by ClinVar (database versions not stated): gnomAD 0.00001; gnomAD exomes 0.00001; TOPMed 0.00001.
gnomAD v4.1: 20 of 1,614,056 alleles (0.0012%); highest among the groups gnomAD compares: East Asian, 0.0022%; no homozygotes.

Submissions (2):

Labcorp Genetics (formerly Invitae), Labcorp
Classification: Uncertain significance. Last evaluated: 2022-07-12. Review status: criteria provided, single submitter. Criteria: Invitae Variant Classification Sherloc (09022015). Collection method: clinical testing. Allele origin: germline.
Comment: This variant is present in population databases (no rsID available, gnomAD 0.003%). This sequence change replaces arginine, which is basic and polar, with tryptophan, which is neutral and slightly polar, at codon 852 of the TRPM1 protein (p.Arg852Trp). In summary, the available evidence is currently insufficient to determine the role of this variant in disease. Therefore, it has been classified as a Variant of Uncertain Significance. Algorithms developed to predict the effect of missense changes on protein structure and function (SIFT, PolyPhen-2, Align-GVGD) all suggest that this variant is likely to be disruptive. ClinVar contains an entry for this variant (Variation ID: 1043309). This variant has not been reported in the literature in individuals affected with TRPM1-related conditions.

Blueprint Genetics
Classification: Uncertain significance. Last evaluated: 2017-11-29. Review status: criteria provided, single submitter. Criteria: ACMG Guidelines, 2015. Collection method: clinical testing. Allele origin: germline.